The following is an entry in ClinVar:

NM_001366521.1(ATP2B1):c.1226C>T (p.Thr409Ile)

Gene: ATP2B1 (ATPase plasma membrane Ca2+ transporting 1; minus strand). Cytogenetic location: 12q21.33.
Variant type: single nucleotide variant.
Coding change: c.1226C>T on transcript NM_001366521.1 (MANE Select); coding-DNA position 1226, C replaced by T.
Protein change: p.Thr409Ile; replaces threonine 409 with isoleucine.
Molecular consequence: missense variant. On other transcripts: non-coding transcript variant (3).
Genome position (GRCh38, 1-based): chr12:89,624,301, G>A on the plus strand (C>T on the coding strand, the complement: ATP2B1 is on the minus strand). VCF-style: chr12-89624301-G-A. GRCh37 (hg19) VCF-style: chr12-90018078-G-A.
Other names: c.1226C>T, p.Thr409Ile (NM_001366529.1, NM_001413046.1, NM_001413047.1 and 13 more transcripts); c.1028C>T, p.Thr343Ile (NM_001366530.1, NM_001413053.1); c.665C>T, p.Thr222Ile (NM_001366531.1, NM_001366532.1, NM_001413058.1 and 2 more transcripts); c.1187C>T, p.Thr396Ile (NM_001413048.1); c.1085C>T, p.Thr362Ile (NM_001413051.1, NM_001413052.1, NM_001413055.1); c.971C>T, p.Thr324Ile (NM_001413056.1); c.773C>T, p.Thr258Ile (NM_001413057.1); short protein forms T222I, T258I, T324I, T343I, T362I, T396I, T409I.
Identifiers: ClinVar variation 3390017 (VCV003390017.14).

ClinVar aggregate classification (germline): Uncertain significance (1 of 4 stars; one submission).

Submission:

CeGaT Center for Human Genetics Tuebingen
Classification: Uncertain significance. Last evaluated: 2025-06-01. Review status: criteria provided, single submitter. Criteria: CeGaT Center For Human Genetics Tuebingen Variant Classification Criteria Version 2. Collection method: clinical testing. Allele origin: germline. Affected: yes. Observed: 2 variant alleles.
Comment: ATP2B1: PM2, PP2, PP3